The following is an entry in ClinVar:

ClinVar aggregate classification (germline): Benign/Likely benign. Review status: criteria provided, multiple submitters, no conflicts (2 of 4 stars). 4 submissions from 3 submitters: Benign (1); Likely benign (3). Last evaluated 2026-01-24.

Conditions:
Distal arthrogryposis type 2B1 (DA2B1). Also called: Arthrogryposis multiplex congenita distal type II with craniofacial abnormalities. Identifiers: Orphanet 1147, MedGen C5193014, MONDO:0020820, OMIM 601680.
Freeman-Sheldon syndrome (DA2A). Also called: CRANIOCARPOTARSAL DYSPLASIA; CRANIOCARPOTARSAL DYSTROPHY; WHISTLING FACE-WINDMILL VANE HAND SYNDROME; Arthrogryposis, distal, type 2A (Freeman-Sheldon). Identifiers: Orphanet 2053, MedGen C0265224, MONDO:0008675, OMIM 193700.

Allele frequency attached by ClinVar (database versions not stated): gnomAD exomes 0.00004 and 0.00008; ExAC 0.00012; 1000 Genomes Project 30x 0.00016; 1000 Genomes Project 0.00020; ESP Exome Variant Server 0.00023; gnomAD 0.00028 and 0.00029; TOPMed 0.00028.
gnomAD v4.1: 104 of 1,614,180 alleles (0.0064%); highest among the groups gnomAD compares: African/African-American, 0.099%; no homozygotes.

Submissions (4):

Labcorp Genetics (formerly Invitae), Labcorp
Classification: Likely benign. Last evaluated: 2026-01-24. Review status: criteria provided, single submitter. Criteria: Invitae Variant Classification Sherloc (09022015). Collection method: clinical testing. Allele origin: germline.

Women's Health and Genetics/Laboratory Corporation of America, LabCorp
Classification: Likely benign. Last evaluated: 2025-10-23. Review status: criteria provided, single submitter. Criteria: LabCorp Variant Classification Summary - May 2015. Collection method: clinical testing. Allele origin: germline.

Illumina Laboratory Services, Illumina
Classification: Benign for Freeman-Sheldon syndrome. Last evaluated: 2018-01-13. Review status: criteria provided, single submitter. Criteria: ICSL Variant Classification Criteria 13 December 2019. Collection method: clinical testing. Allele origin: germline.
Comment: This variant was observed in the ICSL laboratory as part of a predisposition screen in an ostensibly healthy population. It had not been previously curated by ICSL or reported in the Human Gene Mutation Database (HGMD: prior to June 1st, 2018), and was therefore a candidate for classification through an automated scoring system. Utilizing variant allele frequency, disease prevalence and penetrance estimates, and inheritance mode, an automated score was calculated to assess if this variant is too frequent to cause the disease. Based on the score and internal cut-off values, a variant classified as benign is not then subjected to further curation. The score for this variant resulted in a classification of benign for this disease.

Illumina Laboratory Services, Illumina
Classification: Likely benign for Distal arthrogryposis type 2B1. Last evaluated: 2018-01-13. Review status: criteria provided, single submitter. Criteria: ICSL Variant Classification Criteria 13 December 2019. Collection method: clinical testing. Allele origin: germline.
Comment: This variant was observed in the ICSL laboratory as part of a predisposition screen in an ostensibly healthy population. It had not been previously curated by ICSL or reported in the Human Gene Mutation Database (HGMD: prior to June 1st, 2018), and was therefore a candidate for classification through an automated scoring system. Utilizing variant allele frequency, disease prevalence and penetrance estimates, and inheritance mode, an automated score was calculated to assess if this variant is too frequent to cause the disease. Based on the score and internal cut-off values, a variant classified as likely benign is not then subjected to further curation. The score for this variant resulted in a classification of likely benign for this disease.

NM_002470.4(MYH3):c.1521C>T (p.Ile507=)

Gene: MYH3 (myosin heavy chain 3; minus strand). Cytogenetic location: 17p13.1.
Variant type: single nucleotide variant.
Coding change: c.1521C>T on transcript NM_002470.4 (MANE Select); coding-DNA position 1521, C replaced by T.
Protein change: p.Ile507=; no amino-acid change (isoleucine 507 retained).
Molecular consequence: synonymous variant.
Genome position (GRCh38, 1-based): chr17:10,642,886, G>A on the plus strand (C>T on the coding strand, the complement: MYH3 is on the minus strand). VCF-style: chr17-10642886-G-A. GRCh37 (hg19) VCF-style: chr17-10546203-G-A.
Identifiers: ClinVar variation 321759 (VCV000321759.14), dbSNP rs140685610, ClinGen allele CA8392992.